The following is an entry in ClinVar:

ClinVar aggregate classification (germline): Uncertain significance (1 of 4 stars; one submission).

gnomAD v4.1: 3 of 1,592,990 alleles (0.00019%); highest among the groups gnomAD compares: Non-Finnish European, 0.00026%; no homozygotes.

Submission:

Labcorp Genetics (formerly Invitae), Labcorp
Classification: Uncertain significance. Last evaluated: 2024-09-04. Review status: criteria provided, single submitter. Criteria: Invitae Variant Classification Sherloc (09022015). Collection method: clinical testing. Allele origin: germline.
Comment: This sequence change replaces glutamine, which is neutral and polar, with glutamic acid, which is acidic and polar, at codon 1574 of the TOP2B protein (p.Gln1574Glu). This variant is not present in population databases (gnomAD no frequency). This variant has not been reported in the literature in individuals affected with TOP2B-related conditions. An algorithm developed to predict the effect of missense changes on protein structure and function outputs the following: PolyPhen-2: "Benign". The glutamic acid amino acid residue is found in multiple mammalian species, which suggests that this missense change does not adversely affect protein function. In summary, the available evidence is currently insufficient to determine the role of this variant in disease. Therefore, it has been classified as a Variant of Uncertain Significance.

NM_001330700.2(TOP2B):c.4735C>G (p.Gln1579Glu)

Gene: TOP2B (DNA topoisomerase II beta; minus strand). Cytogenetic location: 3p24.2.
Variant type: single nucleotide variant.
Coding change: c.4735C>G on transcript NM_001330700.2 (MANE Select); coding-DNA position 4735, C replaced by G.
Protein change: p.Gln1579Glu; replaces glutamine 1579 with glutamic acid.
Molecular consequence: missense variant.
Genome position (GRCh38, 1-based): chr3:25,598,453, G>C on the plus strand (C>G on the coding strand, the complement: TOP2B is on the minus strand). VCF-style: chr3-25598453-G-C. GRCh37 (hg19) VCF-style: chr3-25639944-G-C.
Other names: c.4720C>G, p.Gln1574Glu (NM_001068.3); short protein forms Q1574E, Q1579E.
Identifiers: ClinVar variation 3615184 (VCV003615184.2).